The following is an entry in ClinVar:

ClinVar aggregate classification (germline): Likely benign (1 of 4 stars; one submission).

gnomAD v4.1: 3 of 1,614,170 alleles (0.00019%); highest among the groups gnomAD compares: East Asian, 0.0022%; no homozygotes.

Submission:

Mayo Clinic Laboratories, Mayo Clinic
Classification: Likely benign. Last evaluated: 2025-08-11. Review status: criteria provided, single submitter. Criteria: ACMG Guidelines, 2015. Collection method: clinical testing. Allele origin: germline. Observed: 1 variant allele.
Comment: BP4, BP7

NM_001130438.3(SPTAN1):c.6006C>T (p.Asn2002=)

Gene: SPTAN1 (spectrin alpha, non-erythrocytic 1; plus strand). Cytogenetic location: 9q34.11.
Variant type: single nucleotide variant.
Coding change: c.6006C>T on transcript NM_001130438.3 (MANE Select); coding-DNA position 6006, C replaced by T.
Protein change: p.Asn2002=; no amino-acid change (asparagine 2002 retained).
Molecular consequence: synonymous variant.
Genome position (GRCh38, 1-based): chr9:128,625,116, C>T. VCF-style: chr9-128625116-C-T. GRCh37 (hg19) VCF-style: chr9-131387395-C-T.
Other names: p.Asn2002=; c.5946C>T, p.Asn1982= (NM_001375314.2, NM_001438442.1, NM_001363765.2); c.6042C>T, p.Asn2014= (NM_001375318.1, NM_001438440.1, NM_001375312.2); c.5931C>T, p.Asn1977= (NM_001438441.1, NM_001438444.1, NM_001195532.2); c.5991C>T, p.Asn1997= (NM_001438443.1, NM_001438445.1, NM_003127.4); c.6006C>T, p.Asn2002= (NM_001363759.2, NM_001375310.1, NM_001375311.2 and 1 more transcripts).
Identifiers: ClinVar variation 4683439 (VCV004683439.1).